The following is an entry in ClinVar:

ClinVar aggregate classification (germline): Uncertain significance (1 of 4 stars; one submission).

Allele frequency attached by ClinVar (database versions not stated): gnomAD exomes below 0.00001.
gnomAD v4.1: 6 of 1,613,914 alleles (0.00037%); highest among the groups gnomAD compares: Non-Finnish European, 0.00051%; no homozygotes.

Submission:

CeGaT Center for Human Genetics Tuebingen
Classification: Uncertain significance. Last evaluated: 2023-06-01. Review status: criteria provided, single submitter. Criteria: CeGaT Center For Human Genetics Tuebingen Variant Classification Criteria Version 2. Collection method: clinical testing. Allele origin: germline. Affected: yes. Observed: 1 variant allele.
Comment: PANK1: PM2, PP3

NM_148977.3(PANK1):c.1027G>A (p.Gly343Arg)

Gene: PANK1 (pantothenate kinase 1; minus strand). Cytogenetic location: 10q23.31.
Variant type: single nucleotide variant.
Coding change: c.1027G>A on transcript NM_148977.3 (MANE Select); coding-DNA position 1027, G replaced by A.
Protein change: p.Gly343Arg; replaces glycine 343 with arginine.
Molecular consequence: missense variant. On other transcripts: intron variant (1).
Genome position (GRCh38, 1-based): chr10:89,593,862, C>T on the plus strand (G>A on the coding strand, the complement: PANK1 is on the minus strand). VCF-style: chr10-89593862-C-T. GRCh37 (hg19) VCF-style: chr10-91353619-C-T.
Other names: c.763G>A, p.Gly255Arg (NM_148978.3); c.636-542G>A (NM_138316.4); short protein forms G255R, G343R.
Identifiers: ClinVar variation 2640669 (VCV002640669.24), dbSNP rs2492696870, ClinGen allele CA377788059.